The following is an entry in ClinVar:

ClinVar aggregate classification (germline): Uncertain significance (1 of 4 stars; one submission).

Conditions:
F2-related disorder. Also called: F2-related condition; F2-related disorders.

Allele frequency attached by ClinVar (database versions not stated): gnomAD exomes below 0.00001; ExAC 0.00001; TOPMed 0.00001.
gnomAD v4.1: 2 of 1,613,320 alleles (0.00012%); highest among the groups gnomAD compares: African/African-American, 0.0027%; no homozygotes.

Submission:

PreventionGenetics, part of Exact Sciences
Classification: Uncertain significance for F2-related condition. Last evaluated: 2023-02-28. Review status: criteria provided, single submitter. Criteria: ACMG Guidelines, 2015. Collection method: clinical testing. Allele origin: germline.
Comment: The F2 c.1472+3G>C variant is predicted to interfere with splicing. This variant is predicted to alter splicing based on available splicing prediction programs (Alamut Visual v2.11). However, such computer prediction programs are imperfect. To our knowledge, this variant has not been reported in the literature. This variant is reported in 0.0062% of alleles in individuals of African descent in gnomAD. At this time, the clinical significance of this variant is uncertain due to the absence of conclusive functional and genetic evidence.

NM_000506.5(F2):c.1472+3G>C

Gene: F2 (coagulation factor II, thrombin; plus strand). Cytogenetic location: 11p11.2.
Variant type: single nucleotide variant.
Coding change: c.1472+3G>C on transcript NM_000506.5 (MANE Select); 3 bases into the intron after coding-DNA position 1472, G replaced by C.
Molecular consequence: intron variant.
Genome position (GRCh38, 1-based): chr11:46,728,840, G>C. VCF-style: chr11-46728840-G-C. GRCh37 (hg19) VCF-style: chr11-46750390-G-C.
Identifiers: ClinVar variation 2630243 (VCV002630243.1), dbSNP rs766903636, ClinGen allele CA5967289.
Genomic context (GRCh38, chr11:46,728,840, plus strand): 5'-TTGCCTTCAGTGACTACATTCACCCTGTGTGTCTGCCCGACAGGGAGACGGCAGCCAGGT[G>C]GGCCACCAGATGCTTGTTAGCTGAGGGGCAGAAGCCAAGTTCTGGGCCTGGCTCTGATAC-3'